The following is an entry in ClinVar:

ClinVar aggregate classification (germline): Uncertain significance (1 of 4 stars; one submission).

Conditions:
MHC class II deficiency. Also called: Bare lymphocyte syndrome 2; BLS, TYPE II. Identifiers: Orphanet 572, MedGen C5447452, MONDO:0008855.

Allele frequency attached by ClinVar (database versions not stated): gnomAD exomes below 0.00001.
gnomAD v4.1: 1 of 1,613,976 alleles (0.000062%); highest among the groups gnomAD compares: Non-Finnish European, 0.000085%; no homozygotes.

Submission:

Labcorp Genetics (formerly Invitae), Labcorp
Classification: Uncertain significance for MHC class II deficiency. Last evaluated: 2021-12-21. Review status: criteria provided, single submitter. Criteria: Invitae Variant Classification Sherloc (09022015). Collection method: clinical testing. Allele origin: germline.
Comment: This sequence change replaces glutamic acid, which is acidic and polar, with alanine, which is neutral and non-polar, at codon 996 of the CIITA protein (p.Glu996Ala). This variant is present in population databases (no rsID available, gnomAD 0.0009%). This variant has not been reported in the literature in individuals affected with CIITA-related conditions. Algorithms developed to predict the effect of missense changes on protein structure and function are either unavailable or do not agree on the potential impact of this missense change (SIFT: "Tolerated"; PolyPhen-2: "Probably Damaging"; Align-GVGD: "Class C0"). In summary, the available evidence is currently insufficient to determine the role of this variant in disease. Therefore, it has been classified as a Variant of Uncertain Significance.

NM_000246.4(CIITA):c.2987A>C (p.Glu996Ala)

Gene: CIITA (class II major histocompatibility complex transactivator; plus strand). Cytogenetic location: 16p13.13.
Variant type: single nucleotide variant.
Coding change: c.2987A>C on transcript NM_000246.4 (MANE Select); coding-DNA position 2987, A replaced by C.
Protein change: p.Glu996Ala; replaces glutamic acid 996 with alanine.
Molecular consequence: missense variant. On other transcripts: non-coding transcript variant (1).
Genome position (GRCh38, 1-based): chr16:10,916,384, A>C. VCF-style: chr16-10916384-A-C. GRCh37 (hg19) VCF-style: chr16-11010241-A-C.
Other names: c.2990A>C, p.Glu997Ala (NM_001286402.1, NM_001379332.1); c.1235A>C, p.Glu412Ala (NM_001286403.2); c.2843A>C, p.Glu948Ala (NM_001379330.1); c.2840A>C, p.Glu947Ala (NM_001379331.1); c.2987A>C, p.Glu996Ala (NM_001379333.1); c.2918A>C, p.Glu973Ala (NM_001379334.1); short protein forms E973A, E996A, E997A, E412A, E947A, E948A.
Identifiers: ClinVar variation 2178258 (VCV002178258.1), dbSNP rs1308805698, ClinGen allele CA394722294.
Genomic context (GRCh38, chr16:10,916,384, plus strand): 5'-CCCAGGACGCTAGCTGATGGCCCCCATCTGATTCCACCTGCAGCCTGGATGCGCTGAGTG[A>C]GAACAAGATCGGGGACGAGGGTGTCTCGCAGCTCTCAGCCACCTTCCCCCAGCTGAAGTC-3'
Protein context (NP_000237.2, residues 986-1006): LQHLDLDALS[Glu996Ala]NKIGDEGVSQ